The following is an entry in ClinVar:

ClinVar aggregate classification (germline): Benign (1 of 4 stars; one submission).

Submission:

GeneDx
Classification: Benign. Last evaluated: 2018-06-16. Review status: criteria provided, single submitter. Criteria: GeneDx Variant Classification (06012015). Collection method: clinical testing. Allele origin: germline. Affected: yes.
Comment: This variant is considered likely benign or benign based on one or more of the following criteria: it is a conservative change, it occurs at a poorly conserved position in the protein, it is predicted to be benign by multiple in silico algorithms, and/or has population frequency not consistent with disease.

NM_000231.3(SGCG):c.196-125_196-124insTTTA

Gene: SGCG (sarcoglycan gamma; plus strand). Cytogenetic location: 13q12.12.
Variant type: Insertion.
Coding change: c.196-125_196-124insTTTA on transcript NM_000231.3 (MANE Select); 125 bases into the intron before coding-DNA position 196 through 124 bases into the intron before coding-DNA position 196, TTTA inserted.
Molecular consequence: intron variant.
Genome position: GRCh38 VCF-style: chr13-23234484-C-CTATT. GRCh37 (hg19) VCF-style: chr13-23808623-C-CTATT.
Other names: c.250-125_250-124insTTTA (NM_001378244.1); c.196-125_196-124insTTTA (NM_001378245.1, NM_001378246.1).
Identifiers: ClinVar variation 678210 (VCV000678210.1), dbSNP rs58174484, ClinGen allele CA246643625.